The following is an entry in ClinVar:

NM_001082486.2(ACD):c.534C>G (p.Asp178Glu)

Gene: ACD (ACD shelterin complex subunit and telomerase recruitment factor; minus strand). Cytogenetic location: 16q22.1.
Variant type: single nucleotide variant.
Coding change: c.534C>G on transcript NM_001082486.2 (MANE Select); coding-DNA position 534, C replaced by G.
Protein change: p.Asp178Glu; replaces aspartic acid 178 with glutamic acid.
Molecular consequence: missense variant.
Genome position (GRCh38, 1-based): chr16:67,659,039, G>C on the plus strand (C>G on the coding strand, the complement: ACD is on the minus strand). VCF-style: chr16-67659039-G-C. GRCh37 (hg19) VCF-style: chr16-67692942-G-C.
Other names: c.534C>G, p.Asp178Glu (NM_001410884.1); c.525C>G, p.Asp175Glu (NM_022914.3); short protein forms D175E, D178E.
Identifiers: ClinVar variation 3480458 (VCV003480458.1).

ClinVar aggregate classification (germline): Uncertain significance (1 of 4 stars; one submission).

Conditions:
Inborn genetic diseases. Identifiers: MedGen C0950123, MeSH D030342.

Submission:

Ambry Genetics
Classification: Uncertain significance for Inborn genetic diseases. Last evaluated: 2024-10-21. Review status: criteria provided, single submitter. Criteria: Ambry Variant Classification Scheme 2023. Collection method: clinical testing. Allele origin: germline.
Comment: The p.D264E variant (also known as c.792C>G), located in coding exon 7 of the ACD gene, results from a C to G substitution at nucleotide position 792. The aspartic acid at codon 264 is replaced by glutamic acid, an amino acid with highly similar properties. This amino acid position is conserved. In addition, this alteration is predicted to be tolerated by in silico analysis. Based on the available evidence, the clinical significance of this variant remains unclear.